The following is an entry in ClinVar:

NM_001277115.2(DNAH11):c.9925-63T>A

Gene: DNAH11 (dynein axonemal heavy chain 11; plus strand). Cytogenetic location: 7p15.3.
Variant type: single nucleotide variant.
Coding change: c.9925-63T>A on transcript NM_001277115.2 (MANE Select); 63 bases into the intron before coding-DNA position 9925, T replaced by A.
Molecular consequence: intron variant.
Genome position (GRCh38, 1-based): chr7:21,789,178, T>A. VCF-style: chr7-21789178-T-A. GRCh37 (hg19) VCF-style: chr7-21828796-T-A.
Identifiers: ClinVar variation 4995386 (VCV004995386.1).
Genomic context (GRCh38, chr7:21,789,178, plus strand): 5'-ATCTCAATAAAAAAAGAGAAGTTGCTAGATGAATTAGAGATTTTAATTGTAAAGCATCCA[T>A]CCTATCTGGGATTGAATGATTACTTATCCTCTTTGTATCTGTATTAATTCATGAATTTTC-3'

ClinVar aggregate classification (germline): Uncertain significance (1 of 4 stars; one submission).

Conditions:
DNAH11-related disorder. Also called: DNAH11-related condition.

gnomAD v4.1: 12 of 1,185,756 alleles (0.001%); highest among the groups gnomAD compares: African/African-American, 0.018%; no homozygotes.

Submission:

PreventionGenetics, part of Exact Sciences
Classification: Uncertain significance for DNAH11-related condition. Last evaluated: 2026-05-21. Review status: criteria provided, single submitter. Criteria: ACMG Guidelines, 2015. Collection method: clinical testing. Allele origin: germline.
Comment: The DNAH11 c.9925-63T>A variant is predicted to interfere with splicing. This variant is not predicted to affect splicing based on available splicing prediction programs (SpliceAI, Jaganathan et al. 2019. PubMed ID: 30661751). However, the use of computer prediction programs is not equivalent to functional evidence. To our knowledge, this variant has not been reported in the literature. This variant is reported in 0.034% of alleles in individuals of African descent in gnomAD. At this time, the clinical significance of this variant is uncertain due to the absence of conclusive functional and genetic evidence.